The following is an entry in ClinVar:

ClinVar aggregate classification (germline): Pathogenic (1 of 4 stars; one submission).

Submission:

Labcorp Genetics (formerly Invitae), Labcorp
Classification: Pathogenic. Last evaluated: 2024-01-29. Review status: criteria provided, single submitter. Criteria: Invitae Variant Classification Sherloc (09022015). Collection method: clinical testing. Allele origin: germline.
Comment: This sequence change falls in intron 6 of the PAFAH1B1 gene. It does not directly change the encoded amino acid sequence of the PAFAH1B1 protein. This variant is not present in population databases (gnomAD no frequency). This variant has been observed in individual(s) with PAFAH1B1-related conditions (Invitae). In at least one individual the variant was observed to be de novo. Algorithms developed to predict the effect of sequence changes on RNA splicing suggest that this variant may disrupt the consensus splice site. For these reasons, this variant has been classified as Pathogenic.

NM_000430.4(PAFAH1B1):c.569-13_569-12insACACATAATA

Gene: PAFAH1B1 (platelet activating factor acetylhydrolase 1b regulatory subunit 1; plus strand). Cytogenetic location: 17p13.3.
Variant type: Insertion.
Coding change: c.569-13_569-12insACACATAATA on transcript NM_000430.4 (MANE Select); 13 bases into the intron before coding-DNA position 569 through 12 bases into the intron before coding-DNA position 569, ACACATAATA inserted.
Molecular consequence: intron variant.
Genome position: GRCh38 VCF-style: chr17-2672642-T-TACACATAATA. GRCh37 (hg19) VCF-style: chr17-2575936-T-TACACATAATA.
Identifiers: ClinVar variation 2698657 (VCV002698657.3), dbSNP rs2544102362, ClinGen allele CA2697556097.
Genomic context (GRCh38, chr17:2,672,642, plus strand): 5'-CCCATGGTCAATTGATGTTTCATTGCTCTTGGTGGTATATTACTTCATAATATATTGCTG[T>TACACATAATA]TATGTGTTTTAGGCCATGACCACAATGTTTCTTCAGTAGCCATCATGCCCAATGGAGATC-3'